The following is an entry in ClinVar:

ClinVar aggregate classification (germline): Benign/Likely benign. Review status: criteria provided, multiple submitters, no conflicts (2 of 4 stars). 5 submissions from 5 submitters: Benign (1); Likely benign (4). Last evaluated 2025-12-16.

Conditions:
Tuberous sclerosis 1 (TSC1). Identifiers: Orphanet 805, MedGen C1854465, MONDO:0008612, OMIM 191100.
Hereditary cancer-predisposing syndrome. Also called: Hereditary Cancer Syndrome; Tumor predisposition; Hereditary neoplastic syndrome; Neoplastic Syndromes, Hereditary. Identifiers: Orphanet 140162, MedGen C0027672, MeSH D009386, MONDO:0015356.
Tuberous sclerosis syndrome (TSC). Also called: Tuberous sclerosis; Tuberous Sclerosis Complex. Identifiers: Orphanet 805, MedGen C0041341, MONDO:0001734.

gnomAD v4.1: 1 of 1,614,084 alleles (0.000062%); highest among the groups gnomAD compares: Non-Finnish European, 0.000085%; no homozygotes.

Submissions (5):

Labcorp Genetics (formerly Invitae), Labcorp
Classification: Likely benign for Tuberous sclerosis 1. Last evaluated: 2025-12-16. Review status: criteria provided, single submitter. Criteria: Invitae Variant Classification Sherloc (09022015). Collection method: clinical testing. Allele origin: germline.

Myriad Genetics, Inc.
Classification: Benign for Tuberous sclerosis 1. Last evaluated: 2025-04-25. Review status: criteria provided, single submitter. Criteria: Myriad Autosomal Dominant, Autosomal Recessive and X-Linked Classification Criteria (2023). Collection method: clinical testing. Allele origin: unknown.
Comment: This variant is considered benign. This variant is a silent/synonymous amino acid change and it is not expected to impact splicing.

CeGaT Center for Human Genetics Tuebingen
Classification: Likely benign. Last evaluated: 2024-01-01. Review status: criteria provided, single submitter. Criteria: CeGaT Center For Human Genetics Tuebingen Variant Classification Criteria Version 2. Collection method: clinical testing. Allele origin: germline. Affected: yes. Observed: 1 variant allele.
Comment: TSC1: PM2:Supporting, BP4, BP7

All of Us Research Program, National Institutes of Health
Classification: Likely benign for Tuberous sclerosis syndrome. Last evaluated: 2023-11-28. Review status: criteria provided, single submitter. Criteria: ACMG Guidelines, 2015. Collection method: clinical testing. Allele origin: germline. Inheritance: Autosomal dominant inheritance. Observed: 3 variant alleles, 3 heterozygotes.
Comment: This study involves interpretation of variants in research participants for the purpose of population health screening. Participant phenotype was not available at the time of variant classification. Additional details can be found in publication PMID: 35346344, PMCID: PMC8962531

Ambry Genetics
Classification: Likely benign for Hereditary cancer-predisposing syndrome. Last evaluated: 2020-07-14. Review status: criteria provided, single submitter. Criteria: Ambry Variant Classification Scheme 2023. Collection method: clinical testing. Allele origin: germline.

NM_000368.5(TSC1):c.2421T>A (p.Ile807=)

Gene: TSC1 (TSC complex subunit 1; minus strand). Cytogenetic location: 9q34.13.
Variant type: single nucleotide variant.
Coding change: c.2421T>A on transcript NM_000368.5 (MANE Select); coding-DNA position 2421, T replaced by A.
Protein change: p.Ile807=; no amino-acid change (isoleucine 807 retained).
Molecular consequence: synonymous variant.
Genome position (GRCh38, 1-based): chr9:132,901,670, A>T on the plus strand (T>A on the coding strand, the complement: TSC1 is on the minus strand). VCF-style: chr9-132901670-A-T. GRCh37 (hg19) VCF-style: chr9-135777057-A-T.
Other names: c.2418T>A, p.Ile806= (NM_001162426.2); c.2268T>A, p.Ile756= (NM_001162427.2); c.2058T>A, p.Ile686= (NM_001362177.2).
Identifiers: ClinVar variation 767196 (VCV000767196.37), dbSNP rs754248661, ClinGen allele CA467590478.
Genomic context (GRCh38, chr9:132,901,670, plus strand): 5'-CAGCAGCTCAGTGTGACACACCTTGTTGTTGGCCTTCTTCAGTTCTATCCGCAGCTCCGC[A>T]ATCATGTTCCTGCAGTCCTCCAGCTTCGTCTGCCCAAAGAGACGTGGACATGAAGTTTGA-3'
Protein context (NP_000359.1, residues 797-817): QTKLEDCRNM[Ile807=]AELRIELKKA